The following is an entry in ClinVar:

NM_002439.5(MSH3):c.2128C>T (p.Pro710Ser)

Gene: MSH3 (mutS homolog 3; plus strand). Cytogenetic location: 5q14.1.
Variant type: single nucleotide variant.
Coding change: c.2128C>T on transcript NM_002439.5 (MANE Select); coding-DNA position 2128, C replaced by T.
Protein change: p.Pro710Ser; replaces proline 710 with serine.
Molecular consequence: missense variant.
Genome position (GRCh38, 1-based): chr5:80,768,878, C>T. VCF-style: chr5-80768878-C-T. GRCh37 (hg19) VCF-style: chr5-80064697-C-T.
Other names: short protein forms P710S.
Identifiers: ClinVar variation 656250 (VCV000656250.11), dbSNP rs746233320, ClinGen allele CA360279324.

ClinVar aggregate classification (germline): Uncertain significance. Review status: criteria provided, multiple submitters, no conflicts (2 of 4 stars). 2 submissions from 2 submitters: Uncertain significance (2). Last evaluated 2025-10-06.

Conditions:
Endometrial carcinoma. Also called: Endometrial carcinoma, somatic. Identifiers: MedGen C0476089, MONDO:0002447, OMIM 608089, HP:0012114.

Allele frequency attached by ClinVar (database versions not stated): gnomAD 0.00001.
gnomAD v4.1: 1 of 1,611,172 alleles (0.000062%); highest among the groups gnomAD compares: Non-Finnish European, 0.000085%; no homozygotes.

Submissions (2):

Labcorp Genetics (formerly Invitae), Labcorp
Classification: Uncertain significance. Last evaluated: 2025-10-06. Review status: criteria provided, single submitter. Criteria: Invitae Variant Classification Sherloc (09022015). Collection method: clinical testing. Allele origin: germline.
Comment: This sequence change replaces proline, which is neutral and non-polar, with serine, which is neutral and polar, at codon 710 of the MSH3 protein (p.Pro710Ser). This variant is not present in population databases (gnomAD no frequency). This variant has not been reported in the literature in individuals affected with MSH3-related conditions. ClinVar contains an entry for this variant (Variation ID: 656250). An algorithm developed to predict the effect of missense changes on protein structure and function (PolyPhen-2) suggests that this variant is likely to be disruptive. Algorithms developed to predict the effect of sequence changes on RNA splicing suggest that this variant may create or strengthen a splice site. In summary, the available evidence is currently insufficient to determine the role of this variant in disease. Therefore, it has been classified as a Variant of Uncertain Significance.

Baylor Genetics
Classification: Uncertain significance for Endometrial carcinoma. Last evaluated: 2023-06-13. Review status: criteria provided, single submitter. Criteria: ACMG Guidelines, 2015. Collection method: clinical testing. Allele origin: unknown.